The following is an entry in ClinVar:

NM_002907.4(RECQL):c.5C>T (p.Ala2Val)

Gene: RECQL (RecQ like helicase; minus strand). Cytogenetic location: 12p12.1.
Variant type: single nucleotide variant.
Coding change: c.5C>T on transcript NM_002907.4 (MANE Select); coding-DNA position 5, C replaced by T.
Protein change: p.Ala2Val; replaces alanine 2 with valine.
Molecular consequence: missense variant.
Genome position (GRCh38, 1-based): chr12:21,499,566, G>A on the plus strand (C>T on the coding strand, the complement: RECQL is on the minus strand). VCF-style: chr12-21499566-G-A. GRCh37 (hg19) VCF-style: chr12-21652500-G-A.
Other names: c.5C>T, p.Ala2Val (NM_032941.3); short protein forms A2V.
Identifiers: ClinVar variation 1750989 (VCV001750989.7), dbSNP rs566339459, ClinGen allele CA6479239.

ClinVar aggregate classification (germline): Uncertain significance. Review status: criteria provided, multiple submitters, no conflicts (2 of 4 stars). 2 submissions from 2 submitters: Uncertain significance (2). Last evaluated 2025-09-20.

Allele frequency attached by ClinVar (database versions not stated): gnomAD exomes 0.00001; ExAC 0.00002; gnomAD 0.00002; 1000 Genomes Project 30x 0.00016; 1000 Genomes Project 0.00020.
gnomAD v4.1: 17 of 1,593,058 alleles (0.0011%); highest among the groups gnomAD compares: South Asian, 0.0069%; no homozygotes.

Submissions (2):

Ambry Genetics
Classification: Uncertain significance. Last evaluated: 2025-09-20. Review status: criteria provided, single submitter. Criteria: Ambry Variant Classification Scheme 2023. Collection method: clinical testing. Allele origin: germline.
Comment: The p.A2V variant (also known as c.5C>T), located in coding exon 1 of the RECQL gene, results from a C to T substitution at nucleotide position 5. The alanine at codon 2 is replaced by valine, an amino acid with similar properties. This amino acid position is conserved. In addition, this alteration is predicted to be tolerated by in silico analysis. Since supporting evidence is limited at this time, the clinical significance of this alteration remains unclear.

Labcorp Genetics (formerly Invitae), Labcorp
Classification: Uncertain significance. Last evaluated: 2023-01-03. Review status: criteria provided, single submitter. Criteria: Invitae Variant Classification Sherloc (09022015). Collection method: clinical testing. Allele origin: germline.
Comment: This sequence change replaces alanine, which is neutral and non-polar, with valine, which is neutral and non-polar, at codon 2 of the RECQL protein (p.Ala2Val). This variant is present in population databases (rs566339459, gnomAD 0.004%). This variant has not been reported in the literature in individuals affected with RECQL-related conditions. ClinVar contains an entry for this variant (Variation ID: 1750989). Algorithms developed to predict the effect of missense changes on protein structure and function (SIFT, PolyPhen-2, Align-GVGD) all suggest that this variant is likely to be tolerated. In summary, the available evidence is currently insufficient to determine the role of this variant in disease. Therefore, it has been classified as a Variant of Uncertain Significance.